The following is an entry in ClinVar:

ClinVar aggregate classification (germline): Pathogenic. Review status: reviewed by expert panel (3 of 4 stars). 4 submissions from 4 submitters: Pathogenic (1). 3 of the submissions do not count toward it. Last evaluated 2025-01-07.

Conditions:
Autosomal recessive limb-girdle muscular dystrophy. Identifiers: Orphanet 102015, MedGen C2931907, MONDO:0015152.
Autosomal recessive limb-girdle muscular dystrophy type 2A (LGMDR1). Also called: Calpainopathy; Muscular dystrophy, limb-girdle, type 2A, Amish; LEYDEN-MOEBIUS MUSCULAR DYSTROPHY; MUSCULAR DYSTROPHY, PELVOFEMORAL; Limb-girdle muscular dystrophy, type 2A. Identifiers: Orphanet 267, MedGen C1869123, MONDO:0009675, OMIM 253600. Disease mechanism: loss of function.

Allele frequency attached by ClinVar (database versions not stated): gnomAD exomes below 0.00001.
gnomAD v4.1: 2 of 1,614,126 alleles (0.00012%); highest among the groups gnomAD compares: Non-Finnish European, 0.00017%; no homozygotes.

Submissions (4):

ClinGen Limb Girdle Muscular Dystrophy Variant Curation Expert Panel, ClinGen
Classification: Pathogenic for Autosomal recessive limb-girdle muscular dystrophy. Last evaluated: 2025-01-07. Review status: reviewed by expert panel. Criteria: ClinGen LGMD VCEP ACMG Specifications CAPN3 V1.0.0. Collection method: curation. Allele origin: germline. Inheritance: Autosomal recessive inheritance.
Comment: The NM_000070.3: c.700G>A variant in CAPN3 is a missense variant predicted to cause substitution of glycine by arginine at amino acid 234 (p.Gly234Arg). This variant has been detected in at least four unrelated individuals with LGMD (PMID: 26484845, 32896923, 34720847, 37589857), including confirmed in trans and in unknown phase with a pathogenic variant (c.1746-20C>G, 1.5 pts, PMID: 34720847, 37589857) (PM3). At least one patient with this variant displayed progressive limb girdle muscle weakness as well as absent expression of calpain-3, which is highly specific for CAPN3-related LGMD (PP4_Strong; PMID: 34720847). The variant was also reported to co-segregate with the disease in two affected family members from a single family (PP1; PMID: 37589857). This variant is absent from gnomAD v2.1.1 and v.3.1.2 (PM2_Supporting). The computational predictor REVEL gives a score of 0.93, which exceeds the VCEP threshold of ≥0.70, evidence that correlates with impact to CAPN3 function (PP3). Another missense variant at the same codon, c.701G>A p.(Gly234Glu), has been classified as pathogenic for autosomal recessive limb girdle muscular dystrophy by the LGMD VCEP (PM5). In summary, this variant meets the criteria to be classified as Pathogenic for autosomal recessive limb girdle muscular dystrophy based on the ACMG/AMP criteria applied, as specified by the ClinGen LGMD VCEP (LGMD VCEP specifications version 1.0.0; 01/07/2025): PM3, PP4_Strong, PP1, PM2_Supporting, PP3, PM5.

Revvity Omics, Revvity
Classification: Uncertain significance. Last evaluated: 2021-12-16. Review status: criteria provided, single submitter. Criteria: ACMG Guidelines, 2015. Collection method: clinical testing. Allele origin: germline. Not counted in ClinVar's aggregate classification.

Labcorp Genetics (formerly Invitae), Labcorp
Classification: Uncertain significance for Autosomal recessive limb-girdle muscular dystrophy type 2A. Last evaluated: 2018-10-10. Review status: criteria provided, single submitter. Criteria: Invitae Variant Classification Sherloc (09022015). Collection method: clinical testing. Allele origin: germline. Not counted in ClinVar's aggregate classification.
Comment: In summary, the available evidence is currently insufficient to determine the role of this variant in disease. Therefore, it has been classified as a Variant of Uncertain Significance. Algorithms developed to predict the effect of missense changes on protein structure and function are either unavailable or do not agree on the potential impact of this missense change (SIFT: "Deleterious"; PolyPhen-2: "Probably Damaging"; Align-GVGD: "Class C15"). This variant has been observed in the heterozygous state in individuals affected with limb girdle muscular dystrophy (PMID: 26484845). ClinVar contains an entry for this variant (Variation ID: 282623). This variant is not present in population databases (ExAC no frequency). This sequence change replaces glycine with arginine at codon 234 of the CAPN3 protein (p.Gly234Arg). The glycine residue is highly conserved and there is a moderate physicochemical difference between glycine and arginine.

Eurofins Ntd Llc (ga)
Classification: Uncertain significance. Last evaluated: 2015-08-19. Review status: criteria provided, single submitter. Criteria: EGL Classification Definitions 2015. Collection method: clinical testing. Allele origin: germline. Observed: 1 variant allele, 1 heterozygote. Not counted in ClinVar's aggregate classification.

Literature cited by the submitters: PubMed 26484845 (cited by Labcorp Genetics (formerly Invitae), Labcorp).

NM_000070.3(CAPN3):c.700G>A (p.Gly234Arg)

Gene: CAPN3 (calpain 3; plus strand). Cytogenetic location: 15q15.1.
Variant type: single nucleotide variant.
Coding change: c.700G>A on transcript NM_000070.3 (MANE Select); coding-DNA position 700, G replaced by A.
Protein change: p.Gly234Arg; replaces glycine 234 with arginine.
Molecular consequence: missense variant.
Genome position (GRCh38, 1-based): chr15:42,388,995, G>A. VCF-style: chr15-42388995-G-A. GRCh37 (hg19) VCF-style: chr15-42681193-G-A.
Other names: NM_000070.3(CAPN3):c.700G>A; p.Gly234Arg; c.700G>A, p.Gly234Arg (NM_024344.2, NM_173087.2); short protein forms G234R.
Identifiers: ClinVar variation 282623 (VCV000282623.17), dbSNP rs886042440, ClinGen allele CA10604244.